The following is an entry in ClinVar:

NM_153603.4(COG7):c.523G>T (p.Val175Leu)

Gene: COG7 (component of oligomeric golgi complex 7; minus strand). Cytogenetic location: 16p12.2.
Variant type: single nucleotide variant.
Coding change: c.523G>T on transcript NM_153603.4 (MANE Select); coding-DNA position 523, G replaced by T.
Protein change: p.Val175Leu; replaces valine 175 with leucine.
Molecular consequence: missense variant.
Genome position (GRCh38, 1-based): chr16:23,442,558, C>A on the plus strand (G>T on the coding strand, the complement: COG7 is on the minus strand). VCF-style: chr16-23442558-C-A. GRCh37 (hg19) VCF-style: chr16-23453879-C-A.
Other names: short protein forms V175L.
Identifiers: ClinVar variation 1163581 (VCV001163581.12), dbSNP rs116645835, ClinGen allele CA7961283.
Genomic context (GRCh38, chr16:23,442,558, plus strand): 5'-CCGCTACAATCTGTGGACTGGCTAGGGCCTCCAGCCTGTTCTTCAGTGCCTCCAAGTGCA[C>A]ACACTTTTCTGAGTAGTCTGGTGTATCAACAAGCATCATTAAGCTGTTCTGCATACCTGT-3'
Protein context (NP_705831.1, residues 165-185): VDTPDYSEKC[Val175Leu]HLEALKNRLE

ClinVar aggregate classification (germline): Uncertain significance. Review status: criteria provided, multiple submitters, no conflicts (2 of 4 stars). 4 submissions from 4 submitters: Uncertain significance (4). Last evaluated 2025-08-05.

Conditions:
Inborn genetic diseases. Identifiers: MedGen C0950123, MeSH D030342.
COG7 congenital disorder of glycosylation (CDG2E). Also called: CDG IIe; CONGENITAL DISORDER OF GLYCOSYLATION, TYPE IIe. Identifiers: Orphanet 79333, MedGen C2931010, MONDO:0012118, OMIM 608779.

Allele frequency attached by ClinVar (database versions not stated): gnomAD exomes 0.00005 and 0.00011; ExAC 0.00012; TOPMed 0.00035; gnomAD 0.00040 and 0.00042; ESP Exome Variant Server 0.00054; 1000 Genomes Project 0.00060; 1000 Genomes Project 30x 0.00062.
gnomAD v4.1: 145 of 1,614,098 alleles (0.009%); highest among the groups gnomAD compares: African/African-American, 0.16%; no homozygotes.

Submissions (4):

Ambry Genetics
Classification: Uncertain significance for Inborn genetic diseases. Last evaluated: 2025-08-05. Review status: criteria provided, single submitter. Criteria: Ambry Variant Classification Scheme 2023. Collection method: clinical testing. Allele origin: germline.

Labcorp Genetics (formerly Invitae), Labcorp
Classification: Uncertain significance for COG7 congenital disorder of glycosylation. Last evaluated: 2022-04-01. Review status: criteria provided, single submitter. Criteria: Invitae Variant Classification Sherloc (09022015). Collection method: clinical testing. Allele origin: germline.
Comment: This sequence change replaces valine, which is neutral and non-polar, with leucine, which is neutral and non-polar, at codon 175 of the COG7 protein (p.Val175Leu). This variant is present in population databases (rs116645835, gnomAD 0.1%). This variant has not been reported in the literature in individuals affected with COG7-related conditions. ClinVar contains an entry for this variant (Variation ID: 1163581). Algorithms developed to predict the effect of missense changes on protein structure and function (SIFT, PolyPhen-2, Align-GVGD) all suggest that this variant is likely to be tolerated. In summary, the available evidence is currently insufficient to determine the role of this variant in disease. Therefore, it has been classified as a Variant of Uncertain Significance.

Mayo Clinic Laboratories, Mayo Clinic
Classification: Uncertain significance. Last evaluated: 2019-08-26. Review status: criteria provided, single submitter. Criteria: ACMG Guidelines, 2015. Collection method: clinical testing. Allele origin: germline. Observed: 1 variant allele.

GeneDx
Classification: Uncertain significance. Last evaluated: 2019-08-10. Review status: criteria provided, single submitter. Criteria: GeneDx Variant Classification Process June 2021. Collection method: clinical testing. Allele origin: germline. Affected: yes.
Comment: Has not been previously published as pathogenic or benign to our knowledge; In silico analysis, which includes protein predictors and evolutionary conservation, supports that this variant does not alter protein structure/function